The following is an entry in ClinVar:

NM_001242896.3(DEPDC5):c.2107A>G (p.Met703Val)

Gene: DEPDC5 (DEP domain containing 5, GATOR1 subcomplex subunit; plus strand). Cytogenetic location: 22q12.3.
Variant type: single nucleotide variant.
Coding change: c.2107A>G on transcript NM_001242896.3 (MANE Select); coding-DNA position 2107, A replaced by G.
Protein change: p.Met703Val; replaces methionine 703 with valine.
Molecular consequence: missense variant. On other transcripts: non-coding transcript variant (5).
Genome position (GRCh38, 1-based): chr22:31,833,917, A>G. VCF-style: chr22-31833917-A-G. GRCh37 (hg19) VCF-style: chr22-32229903-A-G.
Other names: c.2107A>G, p.Met703Val (NM_001136029.4, NM_001363852.2, NM_001364318.2 and 3 more transcripts); c.1873A>G, p.Met625Val (NM_001242897.2, NM_001363854.2, NM_001364319.2); c.2023A>G, p.Met675Val (NM_001369901.1, NM_001369902.1); short protein forms M625V, M675V, M703V.
Identifiers: ClinVar variation 4699392 (VCV004699392.1).

ClinVar aggregate classification (germline): Uncertain significance (1 of 4 stars; one submission).

Conditions:
Familial focal epilepsy with variable foci (FPEVF). Identifiers: Orphanet 98820, MedGen C1858477, MONDO:0020310.

gnomAD v4.1: 7 of 1,578,992 alleles (0.00044%); highest among the groups gnomAD compares: South Asian, 0.0035%; no homozygotes.

Submission:

Labcorp Genetics (formerly Invitae), Labcorp
Classification: Uncertain significance for Familial focal epilepsy with variable foci. Last evaluated: 2025-04-15. Review status: criteria provided, single submitter. Criteria: Invitae Variant Classification Sherloc (09022015). Collection method: clinical testing. Allele origin: germline.
Comment: This sequence change replaces methionine, which is neutral and non-polar, with valine, which is neutral and non-polar, at codon 703 of the DEPDC5 protein (p.Met703Val). This variant is present in population databases (no rsID available, gnomAD 0.003%). This variant has not been reported in the literature in individuals affected with DEPDC5-related conditions. An algorithm developed to predict the effect of missense changes on protein structure and function outputs the following: PolyPhen-2: "Not Available". The valine amino acid residue is found in multiple mammalian species, which suggests that this missense change does not adversely affect protein function. In summary, the available evidence is currently insufficient to determine the role of this variant in disease. Therefore, it has been classified as a Variant of Uncertain Significance.